The following is an entry in ClinVar:

NM_003072.5(SMARCA4):c.4944A>G (p.Ter1648Trp)

Gene: SMARCA4 (SWI/SNF related BAF chromatin remodeling complex subunit ATPase 4; plus strand). Cytogenetic location: 19p13.2.
Variant type: single nucleotide variant.
Coding change: c.4944A>G on transcript NM_003072.5 (MANE Select); coding-DNA position 4944, A replaced by G.
Protein change: p.Ter1648Trp.
Molecular consequence: stop lost. On other transcripts: non-coding transcript variant (1).
Genome position (GRCh38, 1-based): chr19:11,061,816, A>G. VCF-style: chr19-11061816-A-G. GRCh37 (hg19) VCF-style: chr19-11172492-A-G.
Other names: *1680W; *1618W; *1614W; *1615W; *1617W; *1648W; c.4944A>G, p.Ter1648Trp (NM_001128844.3); c.4854A>G, p.Ter1618Trp (NM_001128845.2); and 4 more.
Identifiers: ClinVar variation 486471 (VCV000486471.8), dbSNP rs772894995, ClinGen allele CA9204923.
Genomic context (GRCh38, chr19:11,061,816, plus strand): 5'-ACACTCTCTCCTCCTGTCCCCTCTCCAGGACCGCTCAGGAAGTGGCAGCGAAGAAGACTG[A>G]GCCCCGACATTCCAGTCTCGACCCCGAGCCCCTCGTTCCAGAGCTGAGATGGCATAGGCC-3'

ClinVar aggregate classification (germline): Uncertain significance. Review status: criteria provided, multiple submitters, no conflicts (2 of 4 stars). 2 submissions from 2 submitters: Uncertain significance (2). Last evaluated 2023-02-24.

Conditions:
Hereditary cancer-predisposing syndrome. Also called: Tumor predisposition; Hereditary Cancer Syndrome; Hereditary neoplastic syndrome; Neoplastic Syndromes, Hereditary. Identifiers: Orphanet 140162, MedGen C0027672, MeSH D009386, MONDO:0015356.
Rhabdoid tumor predisposition syndrome 2 (RTPS2). Identifiers: Orphanet 231108, Orphanet 69077, MedGen C2750074, MONDO:0013224, OMIM 613325.

Allele frequency attached by ClinVar (database versions not stated): gnomAD exomes below 0.00001; ExAC 0.00001.

Submissions (2):

Labcorp Genetics (formerly Invitae), Labcorp
Classification: Uncertain significance for Rhabdoid tumor predisposition syndrome 2. Last evaluated: 2023-02-24. Review status: criteria provided, single submitter. Criteria: Invitae Variant Classification Sherloc (09022015). Collection method: clinical testing. Allele origin: germline.
Comment: In summary, the available evidence is currently insufficient to determine the role of this variant in disease. Therefore, it has been classified as a Variant of Uncertain Significance. ClinVar contains an entry for this variant (Variation ID: 486471). This variant has not been reported in the literature in individuals affected with SMARCA4-related conditions. This variant is present in population databases (rs772894995, gnomAD 0.002%). This sequence change disrupts the translational stop signal of the SMARCA4 mRNA. It is expected to extend the length of the SMARCA4 protein by 19 additional amino acid residues.

Ambry Genetics
Classification: Uncertain significance for Hereditary cancer-predisposing syndrome. Last evaluated: 2016-06-02. Review status: criteria provided, single submitter. Criteria: Ambry Variant Classification Scheme 2023. Collection method: clinical testing. Allele origin: germline.
Comment: The c.5040A>G variant (also known as p.*1680Wext*19) is located in coding exon 35 of the SMARCA4 gene, and results from an A to G substitution at nucleotide position 5040, which is the last nucleotide of the SMARCA4 gene. The stop codon at position 1680 is replaced by tryptophan, resulting in an elongation of the protein by 19 amino acids. The exact functional impact of these inserted amino acids is unknown at this time. This variant was not reported in population-based cohorts in the following databases: Database of Single Nucleotide Polymorphisms (dbSNP), NHLBI Exome Sequencing Project (ESP) and 1000 Genomes Project. In the ESP, this variant was not observed in 6503 samples (13006 alleles) with coverage at this position. To date, this alteration has been detected with an allele frequency of approximately 0.001% (greater than 100000 alleles tested) in our clinical cohort. This nucleotide position is highly conserved in available vertebrate species. Since supporting evidence is limited at this time, the clinical significance of this alteration remains unclear.